The following is an entry in ClinVar:

ClinVar aggregate classification (germline): Uncertain significance (1 of 4 stars; one submission).

Allele frequency attached by ClinVar (database versions not stated): gnomAD exomes below 0.00001; TOPMed 0.00001.
gnomAD v4.1: 2 of 1,614,040 alleles (0.00012%); highest among the groups gnomAD compares: Admixed American, 0.0017%; no homozygotes.

Submission:

Labcorp Genetics (formerly Invitae), Labcorp
Classification: Uncertain significance. Last evaluated: 2022-05-05. Review status: criteria provided, single submitter. Criteria: Invitae Variant Classification Sherloc (09022015). Collection method: clinical testing. Allele origin: germline.
Comment: This sequence change replaces threonine, which is neutral and polar, with isoleucine, which is neutral and non-polar, at codon 1055 of the UBR1 protein (p.Thr1055Ile). This variant is not present in population databases (gnomAD no frequency). This variant has not been reported in the literature in individuals affected with UBR1-related conditions. Algorithms developed to predict the effect of missense changes on protein structure and function are either unavailable or do not agree on the potential impact of this missense change (SIFT: "Tolerated"; PolyPhen-2: "Possibly Damaging"; Align-GVGD: "Class C0"). In summary, the available evidence is currently insufficient to determine the role of this variant in disease. Therefore, it has been classified as a Variant of Uncertain Significance.

NM_174916.3(UBR1):c.3164C>T (p.Thr1055Ile)

Gene: UBR1 (ubiquitin protein ligase E3 component n-recognin 1; minus strand). Cytogenetic location: 15q15.2.
Variant type: single nucleotide variant.
Coding change: c.3164C>T on transcript NM_174916.3 (MANE Select); coding-DNA position 3164, C replaced by T.
Protein change: p.Thr1055Ile; replaces threonine 1055 with isoleucine.
Molecular consequence: missense variant.
Genome position (GRCh38, 1-based): chr15:43,015,733, G>A on the plus strand (C>T on the coding strand, the complement: UBR1 is on the minus strand). VCF-style: chr15-43015733-G-A. GRCh37 (hg19) VCF-style: chr15-43307931-G-A.
Other names: short protein forms T1055I.
Identifiers: ClinVar variation 2196378 (VCV002196378.1), dbSNP rs2033013754, ClinGen allele CA392061760.